The following is an entry in ClinVar:

NM_000484.4(APP):c.1454C>T (p.Pro485Leu)

Gene: APP (amyloid beta precursor protein; minus strand). Cytogenetic location: 21q21.3.
Variant type: single nucleotide variant.
Coding change: c.1454C>T on transcript NM_000484.4 (MANE Select); coding-DNA position 1454, C replaced by T.
Protein change: p.Pro485Leu; replaces proline 485 with leucine.
Molecular consequence: missense variant.
Genome position (GRCh38, 1-based): chr21:25,975,074, G>A on the plus strand (C>T on the coding strand, the complement: APP is on the minus strand). VCF-style: chr21-25975074-G-A. GRCh37 (hg19) VCF-style: chr21-27347387-G-A.
Other names: c.1382C>T, p.Pro461Leu (NM_001136016.3); c.1061C>T, p.Pro354Leu (NM_001136129.3); c.1286C>T, p.Pro429Leu (NM_001136130.3, NM_001385253.1); c.1124C>T, p.Pro375Leu (NM_001136131.3); c.1454C>T, p.Pro485Leu (NM_001204301.2); c.1397C>T, p.Pro466Leu (NM_001204302.2, NM_201413.3); c.1229C>T, p.Pro410Leu (NM_001204303.2, NM_201414.3); short protein forms P354L, P410L, P375L, P429L, P466L, P461L, P485L.
Identifiers: ClinVar variation 1397412 (VCV001397412.6), dbSNP rs369990738, ClinGen allele CA9987326.

ClinVar aggregate classification (germline): Uncertain significance (1 of 4 stars; one submission).

Conditions:
Alzheimer disease. Also called: Alzheimer's disease; Presenile and senile dementia. Identifiers: Orphanet 1020, MedGen C0002395, MeSH D000544, MONDO:0004975, HP:0002511.

Allele frequency attached by ClinVar (database versions not stated): gnomAD 0.00001; gnomAD exomes 0.00001; ExAC 0.00002; TOPMed 0.00002; ESP Exome Variant Server 0.00008.
gnomAD v4.1: 32 of 1,613,936 alleles (0.002%); highest among the groups gnomAD compares: Non-Finnish European, 0.0027%; no homozygotes.

Submission:

Labcorp Genetics (formerly Invitae), Labcorp
Classification: Uncertain significance for Alzheimer disease. Last evaluated: 2021-12-02. Review status: criteria provided, single submitter. Criteria: Invitae Variant Classification Sherloc (09022015). Collection method: clinical testing. Allele origin: germline.
Comment: This sequence change replaces proline, which is neutral and non-polar, with leucine, which is neutral and non-polar, at codon 485 of the APP protein (p.Pro485Leu). This variant is present in population databases (rs369990738, gnomAD 0.002%). This variant has not been reported in the literature in individuals affected with APP-related conditions. Algorithms developed to predict the effect of missense changes on protein structure and function (SIFT, PolyPhen-2, Align-GVGD) all suggest that this variant is likely to be disruptive. In summary, the available evidence is currently insufficient to determine the role of this variant in disease. Therefore, it has been classified as a Variant of Uncertain Significance.